The following is an entry in ClinVar:

ClinVar aggregate classification (germline): Uncertain significance (1 of 4 stars; one submission).

Submission:

GeneDx
Classification: Uncertain significance. Last evaluated: 2026-04-17. Review status: criteria provided, single submitter. Criteria: GeneDx Variant Classification Process June 2021. Collection method: clinical testing. Allele origin: germline.
Comment: Not observed at significant frequency in large population cohorts (gnomAD); In silico analysis supports that this missense variant has a deleterious effect on protein structure/function; Has not been previously published as pathogenic or benign to our knowledge

NM_013275.6(ANKRD11):c.608C>G (p.Thr203Arg)

Gene: ANKRD11 (ankyrin repeat domain 11; minus strand). Cytogenetic location: 16q24.3.
Variant type: single nucleotide variant.
Coding change: c.608C>G on transcript NM_013275.6 (MANE Select); coding-DNA position 608, C replaced by G.
Protein change: p.Thr203Arg; replaces threonine 203 with arginine.
Molecular consequence: missense variant. On other transcripts: non-coding transcript variant (1).
Genome position (GRCh38, 1-based): chr16:89,288,664, G>C on the plus strand (C>G on the coding strand, the complement: ANKRD11 is on the minus strand). VCF-style: chr16-89288664-G-C. GRCh37 (hg19) VCF-style: chr16-89355072-G-C.
Other names: c.608C>G, p.Thr203Arg (NM_001256182.2, NM_001256183.2); short protein forms T203R.
Identifiers: ClinVar variation 5037217 (VCV005037217.1).